The following is an entry in ClinVar:

NM_018451.5(CPAP):c.2087G>A (p.Gly696Asp)

Gene: CPAP (centrosome assembly and centriole elongation protein; minus strand). Cytogenetic location: 13q12.13.
Variant type: single nucleotide variant.
Coding change: c.2087G>A on transcript NM_018451.5 (MANE Select); coding-DNA position 2087, G replaced by A.
Protein change: p.Gly696Asp; replaces glycine 696 with aspartic acid.
Molecular consequence: missense variant. On other transcripts: non-coding transcript variant (2).
Genome position (GRCh38, 1-based): chr13:24,905,951, C>T on the plus strand (G>A on the coding strand, the complement: CPAP is on the minus strand). VCF-style: chr13-24905951-C-T. GRCh37 (hg19) VCF-style: chr13-25480089-C-T.
Other names: short protein forms G696D.
Identifiers: ClinVar variation 1947422 (VCV001947422.5), dbSNP rs1466091603, ClinGen allele CA387585837.

ClinVar aggregate classification (germline): Uncertain significance (1 of 4 stars; one submission).

Allele frequency attached by ClinVar (database versions not stated): gnomAD 0.00001; TOPMed 0.00001.
gnomAD v4.1: 4 of 1,614,032 alleles (0.00025%); highest among the groups gnomAD compares: Non-Finnish European, 0.00034%; no homozygotes.

Submission:

Labcorp Genetics (formerly Invitae), Labcorp
Classification: Uncertain significance. Last evaluated: 2025-01-06. Review status: criteria provided, single submitter. Criteria: Invitae Variant Classification Sherloc (09022015). Collection method: clinical testing. Allele origin: germline.
Comment: This sequence change replaces glycine, which is neutral and non-polar, with aspartic acid, which is acidic and polar, at codon 696 of the CENPJ protein (p.Gly696Asp). This variant is not present in population databases (gnomAD no frequency). This variant has not been reported in the literature in individuals affected with CENPJ-related conditions. ClinVar contains an entry for this variant (Variation ID: 1947422). Invitae Evidence Modeling of protein sequence and biophysical properties (such as structural, functional, and spatial information, amino acid conservation, physicochemical variation, residue mobility, and thermodynamic stability) indicates that this missense variant is not expected to disrupt CENPJ protein function with a negative predictive value of 80%. In summary, the available evidence is currently insufficient to determine the role of this variant in disease. Therefore, it has been classified as a Variant of Uncertain Significance.